The following is an entry in ClinVar:

NM_014704.4(CEP104):c.345A>T (p.Ser115=)

Gene: CEP104 (centrosomal protein 104; minus strand). Cytogenetic location: 1p36.32.
Variant type: single nucleotide variant.
Coding change: c.345A>T on transcript NM_014704.4 (MANE Select); coding-DNA position 345, A replaced by T.
Protein change: p.Ser115=; no amino-acid change (serine 115 retained).
Molecular consequence: synonymous variant.
Genome position (GRCh38, 1-based): chr1:3,847,556, T>A on the plus strand (A>T on the coding strand, the complement: CEP104 is on the minus strand). VCF-style: chr1-3847556-T-A. GRCh37 (hg19) VCF-style: chr1-3764120-T-A.
Identifiers: ClinVar variation 2638110 (VCV002638110.24), dbSNP rs1160276141, ClinGen allele CA415785214.

ClinVar aggregate classification (germline): Likely benign (1 of 4 stars; one submission).

Allele frequency attached by ClinVar (database versions not stated): gnomAD 0.00001; TOPMed 0.00001.
gnomAD v4.1: 6 of 1,613,632 alleles (0.00037%); highest among the groups gnomAD compares: Non-Finnish European, 0.00051%; no homozygotes.

Submission:

CeGaT Center for Human Genetics Tuebingen
Classification: Likely benign. Last evaluated: 2022-05-01. Review status: criteria provided, single submitter. Criteria: CeGaT Center For Human Genetics Tuebingen Variant Classification Criteria Version 2. Collection method: clinical testing. Allele origin: germline. Affected: yes. Observed: 1 variant allele.
Comment: CEP104: BP4, BP7